The following is an entry in ClinVar:

ClinVar aggregate classification (germline): Uncertain significance (1 of 4 stars; one submission).

Allele frequency attached by ClinVar (database versions not stated): gnomAD exomes below 0.00001.
gnomAD v4.1: 3 of 1,613,498 alleles (0.00019%); highest among the groups gnomAD compares: Non-Finnish European, 0.00025%; no homozygotes.

Submission:

Labcorp Genetics (formerly Invitae), Labcorp
Classification: Uncertain significance. Last evaluated: 2022-04-10. Review status: criteria provided, single submitter. Criteria: Invitae Variant Classification Sherloc (09022015). Collection method: clinical testing. Allele origin: germline.
Comment: In summary, the available evidence is currently insufficient to determine the role of this variant in disease. Therefore, it has been classified as a Variant of Uncertain Significance. This sequence change replaces alanine, which is neutral and non-polar, with valine, which is neutral and non-polar, at codon 2004 of the DCHS1 protein (p.Ala2004Val). This variant is not present in population databases (gnomAD no frequency). This variant has not been reported in the literature in individuals affected with DCHS1-related conditions. Advanced modeling of protein sequence and biophysical properties (such as structural, functional, and spatial information, amino acid conservation, physicochemical variation, residue mobility, and thermodynamic stability) performed at Invitae indicates that this missense variant is not expected to disrupt DCHS1 protein function. Algorithms developed to predict the effect of sequence changes on RNA splicing suggest that this variant may create or strengthen a splice site.

NM_003737.4(DCHS1):c.6011C>T (p.Ala2004Val)

Gene: DCHS1 (dachsous cadherin-related 1; minus strand). Cytogenetic location: 11p15.4.
Variant type: single nucleotide variant.
Coding change: c.6011C>T on transcript NM_003737.4 (MANE Select); coding-DNA position 6011, C replaced by T.
Protein change: p.Ala2004Val; replaces alanine 2004 with valine.
Molecular consequence: missense variant.
Genome position (GRCh38, 1-based): chr11:6,627,028, G>A on the plus strand (C>T on the coding strand, the complement: DCHS1 is on the minus strand). VCF-style: chr11-6627028-G-A. GRCh37 (hg19) VCF-style: chr11-6648259-G-A.
Other names: short protein forms A2004V.
Identifiers: ClinVar variation 2124279 (VCV002124279.4), dbSNP rs1417151343, ClinGen allele CA379390128.